The following is an entry in ClinVar:

NM_000065.5(C6):c.733del (p.Thr245fs)

Gene: C6 (complement C6; minus strand). Cytogenetic location: 5p13.1.
Variant type: Deletion.
Coding change: c.733del on transcript NM_000065.5 (MANE Select); coding-DNA position 733, one base deleted (A; older notation c.733delA).
Protein change: p.Thr245fs; shifts the reading frame from threonine 245.
Molecular consequence: frameshift variant.
Genome position (GRCh38, 1-based): chr5:41,181,553, T deleted on the plus strand (A on the coding strand, the reverse complement: C6 is on the minus strand); the first of 3 consecutive T bases (chr5:41,181,553-41,181,555); deleting any one gives the same sequence. VCF-style (leftmost placement, unchanged base first): chr5-41181552-GT-G. GRCh37 (hg19) VCF-style: chr5-41181654-GT-G.
Other names: c.733del, p.Thr245fs (NM_001115131.4); short protein forms T245fs.
Identifiers: ClinVar variation 4700230 (VCV004700230.1).
Genomic context (GRCh38, chr5:41,181,552, plus strand): 5'-TCATTGTGTCCAAGAGAAGTTAAATCCTTGTAGAAATCTGTTTTCAAGTCATCTTCTGCA[GT>G]TTGTACCTGGAGAAAAATCCATGTAAAATAAAATATAATTTAGGAAATACTGGAGCGACT-3'

ClinVar aggregate classification (germline): Pathogenic (1 of 4 stars; one submission).

Submission:

Labcorp Genetics (formerly Invitae), Labcorp
Classification: Pathogenic. Last evaluated: 2025-08-03. Review status: criteria provided, single submitter. Criteria: Invitae Variant Classification Sherloc (09022015). Collection method: clinical testing. Allele origin: germline.
Comment: This sequence change creates a premature translational stop signal (p.Thr245Leufs*6) in the C6 gene. It is expected to result in an absent or disrupted protein product. Loss-of-function variants in C6 are known to be pathogenic (PMID: 17257682). This variant is not present in population databases (gnomAD no frequency). This variant has not been reported in the literature in individuals affected with C6-related conditions. For these reasons, this variant has been classified as Pathogenic.

Literature cited by the submitters: PubMed 17257682.